The following is an entry in ClinVar:

ClinVar aggregate classification (germline): Likely benign (1 of 4 stars; one submission).

Conditions:
PLXNA3-related disorder. Also called: PLXNA3-related condition.

Allele frequency attached by ClinVar (database versions not stated): ESP Exome Variant Server 0.00019; ExAC 0.00020; gnomAD exomes 0.00022; TOPMed 0.00025; gnomAD 0.00026; 1000 Genomes Project 30x 0.00104; 1000 Genomes Project 0.00106.
gnomAD v4.1: 266 of 1,198,895 alleles (0.022%); highest among the groups gnomAD compares: African/African-American, 0.047%; no homozygotes.

Submission:

PreventionGenetics, part of Exact Sciences
Classification: Likely benign for PLXNA3-related condition. Last evaluated: 2025-08-11. Review status: criteria provided, single submitter. Criteria: ACMG Guidelines, 2015. Collection method: clinical testing. Allele origin: germline.
Comment: This variant is classified as likely benign based on ACMG/AMP sequence variant interpretation guidelines (Richards et al. 2015 PMID: 25741868, with internal and published modifications).

NM_017514.5(PLXNA3):c.1249G>A (p.Val417Met)

Gene: PLXNA3 (plexin A3; plus strand). Cytogenetic location: Xq28.
Variant type: single nucleotide variant.
Coding change: c.1249G>A on transcript NM_017514.5 (MANE Select); coding-DNA position 1249, G replaced by A.
Protein change: p.Val417Met; replaces valine 417 with methionine.
Molecular consequence: missense variant.
Genome position (GRCh38, 1-based): chrX:154,462,242, G>A. VCF-style: chrX-154462242-G-A. GRCh37 (hg19) VCF-style: chrX-153690582-G-A.
Other names: short protein forms V417M.
Identifiers: ClinVar variation 3045149 (VCV003045149.3), dbSNP rs148672767, ClinGen allele CA10563963.